The following is an entry in ClinVar:

NM_001031689.3(PLAA):c.2060C>T (p.Ala687Val)

Gene: PLAA (phospholipase A2 activating protein; minus strand). Cytogenetic location: 9p21.2.
Variant type: single nucleotide variant.
Coding change: c.2060C>T on transcript NM_001031689.3 (MANE Select); coding-DNA position 2060, C replaced by T.
Protein change: p.Ala687Val; replaces alanine 687 with valine.
Molecular consequence: missense variant.
Genome position (GRCh38, 1-based): chr9:26,905,839, G>A on the plus strand (C>T on the coding strand, the complement: PLAA is on the minus strand). VCF-style: chr9-26905839-G-A. GRCh37 (hg19) VCF-style: chr9-26905837-G-A.
Other names: c.1991C>T, p.Ala664Val (NM_001321546.2); short protein forms A664V, A687V.
Identifiers: ClinVar variation 2019741 (VCV002019741.3), dbSNP rs1043608884, ClinGen allele CA191293078.

ClinVar aggregate classification (germline): Uncertain significance (1 of 4 stars; one submission).

Allele frequency attached by ClinVar (database versions not stated): gnomAD exomes below 0.00001.
gnomAD v4.1: 1 of 1,614,114 alleles (0.000062%); highest among the groups gnomAD compares: Non-Finnish European, 0.000085%; no homozygotes.

Submission:

Labcorp Genetics (formerly Invitae), Labcorp
Classification: Uncertain significance. Last evaluated: 2024-10-15. Review status: criteria provided, single submitter. Criteria: Invitae Variant Classification Sherloc (09022015). Collection method: clinical testing. Allele origin: germline.
Comment: This sequence change replaces alanine, which is neutral and non-polar, with valine, which is neutral and non-polar, at codon 687 of the PLAA protein (p.Ala687Val). This variant is not present in population databases (gnomAD no frequency). This variant has not been reported in the literature in individuals affected with PLAA-related conditions. ClinVar contains an entry for this variant (Variation ID: 2019741). Invitae Evidence Modeling of protein sequence and biophysical properties (such as structural, functional, and spatial information, amino acid conservation, physicochemical variation, residue mobility, and thermodynamic stability) indicates that this missense variant is not expected to disrupt PLAA protein function with a negative predictive value of 80%. In summary, the available evidence is currently insufficient to determine the role of this variant in disease. Therefore, it has been classified as a Variant of Uncertain Significance.